The following is an entry in ClinVar:

NM_015295.3(SMCHD1):c.1314_1317del (p.Tyr439fs)

Gene: SMCHD1 (structural maintenance of chromosomes flexible hinge domain containing 1; plus strand). Cytogenetic location: 18p11.32.
Variant type: Deletion.
Coding change: c.1314_1317del on transcript NM_015295.3 (MANE Select); coding-DNA positions 1314 to 1317, 4 bases deleted (TTAC; older notation c.1314_1317delTTAC).
Protein change: p.Tyr439fs; shifts the reading frame from tyrosine 439.
Molecular consequence: frameshift variant.
Genome position (GRCh38, 1-based): chr18:2,698,013-2,698,016, TTAC deleted; deleting any 4 consecutive bases within chr18:2,698,011-2,698,016 gives the same sequence; the c. name uses the placement nearest the transcript's 3' end. VCF-style (leftmost placement, unchanged base first): chr18-2698010-AACTT-A. GRCh37 (hg19) VCF-style: chr18-2698008-AACTT-A.
Other names: short protein forms Y439fs.
Identifiers: ClinVar variation 2125982 (VCV002125982.6), dbSNP rs2510021968, ClinGen allele CA2580095401.

ClinVar aggregate classification (germline): Conflicting classifications of pathogenicity. Review status: criteria provided, conflicting classifications (1 of 4 stars). 2 submissions from 2 submitters: Pathogenic (1); Uncertain significance (1). Last evaluated 2023-08-04.

Conditions:
Facioscapulohumeral muscular dystrophy 2 (FSHD2). Also called: MUSCULAR DYSTROPHY, FACIOSCAPULOHUMERAL, TYPE 1B; FACIOSCAPULOHUMERAL MUSCULAR DYSTROPHY 2, DIGENIC; FSHD2, DIGENIC. Identifiers: Orphanet 269, MedGen C1834671, MONDO:0008031, OMIM 158901.
Arrhinia with choanal atresia and microphthalmia syndrome. Also called: ARHINIA, CHOANAL ATRESIA, MICROPHTHALMIA, AND HYPOGONADOTROPIC HYPOGONADISM; Arhinia, choanal atresia, and microphthalmia; Arrhinia-choanal atresia-microphthalmia syndrome. Identifiers: Orphanet 1135, Orphanet 2250, MedGen C1863878, MONDO:0011323, OMIM 603457.

Submissions (2):

Labcorp Genetics (formerly Invitae), Labcorp
Classification: Pathogenic for Facioscapulohumeral muscular dystrophy 2. Last evaluated: 2023-08-04. Review status: criteria provided, single submitter. Criteria: Invitae Variant Classification Sherloc (09022015). Collection method: clinical testing. Allele origin: germline.
Comment: For these reasons, this variant has been classified as Pathogenic. ClinVar contains an entry for this variant (Variation ID: 2125982). This variant has not been reported in the literature in individuals affected with SMCHD1-related conditions. This variant is not present in population databases (gnomAD no frequency). This sequence change creates a premature translational stop signal (p.Tyr439Leufs*10) in the SMCHD1 gene. It is expected to result in an absent or disrupted protein product. Loss-of-function variants in SMCHD1 are known to be pathogenic (PMID: 23143600).

Juno Genomics, Hangzhou Juno Genomics, Inc
Classification: Uncertain significance for Facioscapulohumeral muscular dystrophy 2; Arrhinia with choanal atresia and microphthalmia syndrome. Review status: criteria provided, single submitter. Criteria: ACMG Guidelines, 2015. Collection method: clinical testing. Allele origin: germline.
Comment: Absent from controls (or at extremely low frequency if recessive) in Genome Aggregation Database.

Literature cited by the submitters: PubMed 23143600 (cited by Labcorp Genetics (formerly Invitae), Labcorp).